The following is an entry in ClinVar:

NM_032043.3(BRIP1):c.1780T>C (p.Leu594=)

Gene: BRIP1 (BRCA1 interacting DNA helicase 1; minus strand). Cytogenetic location: 17q23.2.
Variant type: single nucleotide variant.
Coding change: c.1780T>C on transcript NM_032043.3 (MANE Select); coding-DNA position 1780, T replaced by C.
Protein change: p.Leu594=; no amino-acid change (leucine 594 retained).
Molecular consequence: synonymous variant.
Genome position (GRCh38, 1-based): chr17:61,780,854, A>G on the plus strand (T>C on the coding strand, the complement: BRIP1 is on the minus strand). VCF-style: chr17-61780854-A-G. GRCh37 (hg19) VCF-style: chr17-59858215-A-G.
Identifiers: ClinVar variation 1172043 (VCV001172043.3), dbSNP rs876658256, ClinGen allele CA501150451.

ClinVar aggregate classification (germline): Benign/Likely benign. Review status: criteria provided, multiple submitters, no conflicts (2 of 4 stars). 2 submissions from 2 submitters: Benign (1); Likely benign (1). Last evaluated 2024-08-29.

Conditions:
Hereditary cancer-predisposing syndrome. Also called: Tumor predisposition; Hereditary neoplastic syndrome; Hereditary Cancer Syndrome; Neoplastic Syndromes, Hereditary. Identifiers: Orphanet 140162, MedGen C0027672, MeSH D009386, MONDO:0015356.
Familial cancer of breast. Also called: hereditary breast carcinoma; Hereditary breast cancer; BREAST CANCER, FAMILIAL. Identifiers: Orphanet 227535, MedGen C0346153, MONDO:0016419, OMIM 114480. Disease mechanism: loss of function.

Submissions (2):

Myriad Genetics, Inc.
Classification: Benign for Familial cancer of breast. Last evaluated: 2024-08-29. Review status: criteria provided, single submitter. Criteria: Myriad Autosomal Dominant, Autosomal Recessive and X-Linked Classification Criteria (2023). Collection method: clinical testing. Allele origin: unknown.
Comment: This variant is considered benign. This variant is a silent/synonymous amino acid change and it is not expected to impact splicing.

Color Diagnostics, LLC DBA Color Health
Classification: Likely benign for Hereditary cancer-predisposing syndrome. Last evaluated: 2020-08-20. Review status: criteria provided, single submitter. Criteria: ACMG Guidelines, 2015. Collection method: clinical testing. Allele origin: germline.